The following is an entry in ClinVar:

NM_000209.4(PDX1):c.239C>T (p.Ala80Val)

Gene: PDX1 (pancreatic and duodenal homeobox 1; plus strand). Cytogenetic location: 13q12.2.
Variant type: single nucleotide variant.
Coding change: c.239C>T on transcript NM_000209.4 (MANE Select); coding-DNA position 239, C replaced by T.
Protein change: p.Ala80Val; replaces alanine 80 with valine.
Molecular consequence: missense variant.
Genome position (GRCh38, 1-based): chr13:27,920,377, C>T. VCF-style: chr13-27920377-C-T. GRCh37 (hg19) VCF-style: chr13-28494514-C-T.
Other names: short protein forms A80V.
Identifiers: ClinVar variation 1498849 (VCV001498849.6), dbSNP rs957995159, ClinGen allele CA247263064.
Genomic context (GRCh38, chr13:27,920,377, plus strand): 5'-GCAGCCCCCCGGACATCTCCCCGTACGAGGTGCCCCCCCTCGCCGACGACCCCGCGGTGG[C>T]GCACCTTCACCACCACCTCCCGGCTCAGCTCGCGCTCCCCCACCCGCCCGCCGGGCCCTT-3'
Protein context (NP_000200.1, residues 70-90): VPPLADDPAV[Ala80Val]HLHHHLPAQL

ClinVar aggregate classification (germline): Uncertain significance (1 of 4 stars; one submission).

Allele frequency attached by ClinVar (database versions not stated): gnomAD 0.00001; gnomAD exomes 0.00001; TOPMed 0.00001.
gnomAD v4.1: 8 of 1,546,746 alleles (0.00052%); highest among the groups gnomAD compares: East Asian, 0.0073%; no homozygotes.

Submission:

Labcorp Genetics (formerly Invitae), Labcorp
Classification: Uncertain significance. Last evaluated: 2021-11-18. Review status: criteria provided, single submitter. Criteria: Invitae Variant Classification Sherloc (09022015). Collection method: clinical testing. Allele origin: germline.
Comment: This sequence change replaces alanine, which is neutral and non-polar, with valine, which is neutral and non-polar, at codon 80 of the PDX1 protein (p.Ala80Val). This variant is present in population databases (no rsID available, gnomAD 0.01%). This variant has not been reported in the literature in individuals affected with PDX1-related conditions. Advanced modeling of protein sequence and biophysical properties (such as structural, functional, and spatial information, amino acid conservation, physicochemical variation, residue mobility, and thermodynamic stability) performed at Invitae indicates that this missense variant is not expected to disrupt PDX1 protein function. In summary, the available evidence is currently insufficient to determine the role of this variant in disease. Therefore, it has been classified as a Variant of Uncertain Significance.